The following is an entry in ClinVar:

NM_001358530.2(MOCS1):c.158A>G (p.His53Arg)

Gene: MOCS1 (molybdenum cofactor synthesis 1; minus strand). Cytogenetic location: 6p21.2.
Variant type: single nucleotide variant.
Coding change: c.158A>G on transcript NM_001358530.2 (MANE Select); coding-DNA position 158, A replaced by G.
Protein change: p.His53Arg; replaces histidine 53 with arginine.
Molecular consequence: missense variant. On other transcripts: 5 prime UTR variant (1), intron variant (2).
Genome position (GRCh38, 1-based): chr6:39,927,421, T>C on the plus strand (A>G on the coding strand, the complement: MOCS1 is on the minus strand). VCF-style: chr6-39927421-T-C. GRCh37 (hg19) VCF-style: chr6-39895160-T-C.
Other names: c.158A>G, p.His53Arg (NM_001075098.4, NM_001358529.2, NM_005943.6); c.-104A>G (NM_001358534.2); c.-11-1576A>G (NM_001358531.2, NM_001358533.2); short protein forms H53R.
Identifiers: ClinVar variation 2047988 (VCV002047988.2), dbSNP rs1333998311, ClinGen allele CA364045141.
Genomic context (GRCh38, chr6:39,927,421, plus strand): 5'-CGCAGGTAGCTGTGCTGCCGGCCGAAGCTGTCTGTGAGGAAGGCGGAGAAGGGGGCCGCA[T>C]GCTCCCGCAGGAACTGCCTCCGCCTGGACACCTCCTGCGAGGACAGACCAGGGAGGAAGC-3'
Protein context (NP_001345459.1, residues 43-63): VSRRRQFLRE[His53Arg]AAPFSAFLTD

ClinVar aggregate classification (germline): Uncertain significance. Review status: criteria provided, multiple submitters, no conflicts (2 of 4 stars). 2 submissions from 2 submitters: Uncertain significance (2). Last evaluated 2023-10-05.

Conditions:
Sulfite oxidase deficiency due to molybdenum cofactor deficiency type A. Also called: Molybdenum Cofactor Deficiency A; Molybdenum cofactor deficiency, complementation group A. Identifiers: Orphanet 308386, Orphanet 833, MedGen C1854988, MONDO:0009643, OMIM 252150.

Allele frequency attached by ClinVar (database versions not stated): gnomAD exomes below 0.00001.

Submissions (2):

Department of Pathology and Laboratory Medicine, Sinai Health System
Classification: Uncertain significance for Sulfite oxidase deficiency due to molybdenum cofactor deficiency type A. Last evaluated: 2023-10-05. Review status: criteria provided, single submitter. Criteria: ACMG Guidelines, 2015. Collection method: research. Allele origin: germline.

Labcorp Genetics (formerly Invitae), Labcorp
Classification: Uncertain significance for Sulfite oxidase deficiency due to molybdenum cofactor deficiency type A. Last evaluated: 2021-12-21. Review status: criteria provided, single submitter. Criteria: Invitae Variant Classification Sherloc (09022015). Collection method: clinical testing. Allele origin: germline.
Comment: This sequence change replaces histidine, which is basic and polar, with arginine, which is basic and polar, at codon 53 of the MOCS1 protein (p.His53Arg). This variant is present in population databases (no rsID available, gnomAD 0.0009%). This variant has not been reported in the literature in individuals affected with MOCS1-related conditions. Algorithms developed to predict the effect of missense changes on protein structure and function are either unavailable or do not agree on the potential impact of this missense change (SIFT: "Not Available"; PolyPhen-2: "Benign"; Align-GVGD: "Not Available"). In summary, the available evidence is currently insufficient to determine the role of this variant in disease. Therefore, it has been classified as a Variant of Uncertain Significance.